The following is an entry in ClinVar:

NM_003073.5(SMARCB1):c.990G>C (p.Glu330Asp)

Gene: SMARCB1 (SWI/SNF related BAF chromatin remodeling complex subunit B1; plus strand). Cytogenetic location: 22q11.23.
Variant type: single nucleotide variant.
Coding change: c.990G>C on transcript NM_003073.5 (MANE Select); coding-DNA position 990, G replaced by C.
Protein change: p.Glu330Asp; replaces glutamic acid 330 with aspartic acid.
Molecular consequence: missense variant.
Genome position (GRCh38, 1-based): chr22:23,833,575, G>C. VCF-style: chr22-23833575-G-C. GRCh37 (hg19) VCF-style: chr22-24175762-G-C.
Other names: c.963G>C, p.Glu321Asp (NM_001007468.3); c.1017G>C, p.Glu339Asp (NM_001317946.2); c.1044G>C, p.Glu348Asp (NM_001362877.2); short protein forms E339D, E321D, E330D, E348D.
Identifiers: ClinVar variation 3320820 (VCV003320820.1).

ClinVar aggregate classification (germline): Uncertain significance (1 of 4 stars; one submission).

Conditions:
Hereditary cancer-predisposing syndrome. Also called: Neoplastic Syndromes, Hereditary; Tumor predisposition; Hereditary neoplastic syndrome; Hereditary Cancer Syndrome. Identifiers: Orphanet 140162, MedGen C0027672, MeSH D009386, MONDO:0015356.

Submission:

Ambry Genetics
Classification: Uncertain significance for Hereditary cancer-predisposing syndrome. Last evaluated: 2024-06-24. Review status: criteria provided, single submitter. Criteria: Ambry Variant Classification Scheme 2023. Collection method: clinical testing. Allele origin: germline.
Comment: The p.E330D variant (also known as c.990G>C), located in coding exon 8 of the SMARCB1 gene, results from a G to C substitution at nucleotide position 990. The glutamic acid at codon 330 is replaced by aspartic acid, an amino acid with highly similar properties. This amino acid position is highly conserved in available vertebrate species. In addition, the in silico prediction for this alteration is inconclusive. Based on the available evidence, the clinical significance of this variant remains unclear.